The following is an entry in ClinVar:

ClinVar aggregate classification (germline): Uncertain significance (1 of 4 stars; one submission).

Conditions:
Multiple endocrine neoplasia, type 2 (MEN2). Identifiers: Orphanet 653, MedGen C4048306, MONDO:0019003. Disease mechanism: gain of function.

Submission:

Labcorp Genetics (formerly Invitae), Labcorp
Classification: Uncertain significance for Multiple endocrine neoplasia, type 2. Last evaluated: 2016-02-05. Review status: criteria provided, single submitter. Criteria: Invitae Variant Classification Sherloc (09022015). Collection method: clinical testing. Allele origin: germline.
Comment: This sequence change deletes 1 nucleotide from exon 20 of the RET mRNA (c.3203delA), causing a frameshift at codon 1068. This creates a premature translational stop signal in the last exon of the RET mRNA (p.Asn1068Thrfs*41). While this is not anticipated to result in nonsense mediated decay, it is expected to result in a truncated RET protein. This variant is not present in population databases (ExAC no frequency) and has not been reported in the literature in individuals with a RET-related disease. In summary, this is a novel truncation in the last exon of RET, with uncertain impact on protein function. It has been classified as a Variant of Uncertain Significance. Experimental studies have not been published for this variant, and the functional effect of this truncation is unknown.

NM_020975.6(RET):c.3203del (p.Asn1068fs)

Gene: RET (ret proto-oncogene; plus strand). Cytogenetic location: 10q11.21.
Variant type: Deletion.
Coding change: c.3203del on transcript NM_020975.6 (MANE Select); coding-DNA position 3203, one base deleted (A; older notation c.3203delA).
Protein change: p.Asn1068fs; shifts the reading frame from asparagine 1068.
Molecular consequence: frameshift variant.
Genome position (GRCh38, 1-based): chr10:43,128,127, A deleted; the last of 2 consecutive A bases (chr10:43,128,126-43,128,127); deleting either gives the same sequence. VCF-style (leftmost placement, unchanged base first): chr10-43128125-GA-G. GRCh37 (hg19) VCF-style: chr10-43623573-GA-G.
Other names: c.3203del (LRG_518t1); short protein forms N1068fs.
Identifiers: ClinVar variation 241360 (VCV000241360.6), dbSNP rs878855063, ClinGen allele CA10582727.